The following is an entry in ClinVar:

NM_001032283.3(TMPO):c.565+2284_565+2285del

Gene: TMPO (thymopoietin; plus strand). Cytogenetic location: 12q23.1.
Variant type: Microsatellite.
Coding change: c.565+2284_565+2285del on transcript NM_001032283.3 (MANE Select); bases 2284 to 2285 of the intron after coding-DNA position 565, 2 bases deleted (AT; older notation c.565+2284_565+2285delAT).
Molecular consequence: intron variant. On other transcripts: nonsense (2).
Genome position (GRCh38, 1-based): chr12:98,534,122-98,534,123, AT deleted; deleting any 2 consecutive bases within chr12:98,534,120-98,534,123 gives the same sequence; the c. name uses the placement nearest the transcript's 3' end. VCF-style (leftmost placement, unchanged base first): chr12-98534119-CAT-C. GRCh37 (hg19) VCF-style: chr12-98927897-CAT-C.
Other names: c.1865_1866delAT (NM_003276.2); c.1865_1866del, p.Thr621_Tyr622insTer (NM_003276.2); c.565+2284_565+2285del (NM_001307975.2, NM_001032284.3).
Identifiers: ClinVar variation 469129 (VCV000469129.11), dbSNP rs767209319, ClinGen allele CA6732501.

ClinVar aggregate classification (germline): Uncertain significance. Review status: criteria provided, multiple submitters, no conflicts (2 of 4 stars). 2 submissions from 2 submitters: Uncertain significance (2). Last evaluated 2025-11-04.

Conditions:
TMPO-related disorder. Also called: TMPO-related condition.
Loeys-Dietz syndrome 2 (LDS2). Also called: Marfan Syndrome type 2; Marfan like connective tissue disorder; MFS 2; TGFBR2-Related Loeys-Dietz Syndrome; AORTIC ANEURYSM, FAMILIAL THORACIC 3; MARFAN SYNDROME, TYPE II. Identifiers: Orphanet 284973, Orphanet 558, MedGen C2674574, MONDO:0012427, OMIM 610168.

Submissions (2):

Labcorp Genetics (formerly Invitae), Labcorp
Classification: Uncertain significance for Loeys-Dietz syndrome 2. Last evaluated: 2025-11-04. Review status: criteria provided, single submitter. Criteria: Invitae Variant Classification Sherloc (09022015). Collection method: clinical testing. Allele origin: germline.
Comment: This sequence change creates a premature translational stop signal (p.Tyr622*) in the TMPO gene. It is expected to result in an absent or disrupted protein product. However, the current clinical and genetic evidence is not sufficient to establish whether loss-of-function variants in TMPO cause disease. This variant is present in population databases (rs767209319, gnomAD 0.008%). This variant has not been reported in the literature in individuals affected with TMPO-related conditions. ClinVar contains an entry for this variant (Variation ID: 469129). In summary, the available evidence is currently insufficient to determine the role of this variant in disease. Therefore, it has been classified as a Variant of Uncertain Significance.

PreventionGenetics, part of Exact Sciences
Classification: Uncertain significance for TMPO-related condition. Last evaluated: 2024-12-26. Review status: criteria provided, single submitter. Criteria: ACMG Guidelines, 2015. Collection method: clinical testing. Allele origin: germline.
Comment: The TMPO c.1865_1866delAT variant is predicted to result in premature protein termination (p.Tyr622*). This variant has been reported in a cohort of individuals with peripartum cardiomyopathy (Table S2, Goli et al. 2021. PubMed ID: 33874732). This variant is reported in 0.0080% of alleles in individuals of African descent in gnomAD. Loss of function is not an established mechanism of TMPO-related disease. At this time, the clinical significance of this variant is uncertain due to the absence of conclusive functional and genetic evidence.